The following is an entry in ClinVar:

NM_000329.3(RPE65):c.1486G>A (p.Gly496Arg)

Gene: RPE65 (retinoid isomerohydrolase RPE65; minus strand). Cytogenetic location: 1p31.3.
Variant type: single nucleotide variant.
Coding change: c.1486G>A on transcript NM_000329.3 (MANE Select); coding-DNA position 1486, G replaced by A.
Protein change: p.Gly496Arg; replaces glycine 496 with arginine.
Molecular consequence: missense variant.
Genome position (GRCh38, 1-based): chr1:68,429,892, C>T on the plus strand (G>A on the coding strand, the complement: RPE65 is on the minus strand). VCF-style: chr1-68429892-C-T. GRCh37 (hg19) VCF-style: chr1-68895575-C-T.
Other names: c.1486G>A (NM_000329.2); short protein forms G496R.
Identifiers: ClinVar variation 1056969 (VCV001056969.7), dbSNP rs1468393625, ClinGen allele CA340741343.
Genomic context (GRCh38, chr1:68,429,892, plus strand): 5'-CCCGGGCAACTTCACTTAAGTCCTTGGCATTCAGAATCAGGAGATAAGCAGGCTTTTGTC[C>T]TGCTCCTGGGCTCACCACCACACTCAGAACTACACCTGTTTATCAGAAGTAAATTAGGCA-3'
Protein context (NP_000320.1, residues 486-506): VLSVVVSPGA[Gly496Arg]QKPAYLLILN

ClinVar aggregate classification (germline): Uncertain significance. Review status: criteria provided, single submitter (1 of 4 stars). 2 submissions from 2 submitters: Uncertain significance (1). 1 of the submissions does not count toward it. Last evaluated 2022-02-03.

Conditions:
Leber congenital amaurosis (LCA). Also called: Leber's amaurosis. Identifiers: Orphanet 65, MedGen C0339527, MeSH D057130, MONDO:0018998.
Leber congenital amaurosis 2 (LCA2). Also called: AMAUROSIS CONGENITA OF LEBER II; Autosomal Recessive RPE65-Related Retinal Degeneration. Identifiers: Orphanet 65, MedGen C1859844, MONDO:0008765, OMIM 204100. Disease mechanism: loss of function.
Retinitis pigmentosa 20 (RP20). Identifiers: Orphanet 791, MedGen C3151086, MONDO:0013425, OMIM 613794.

Allele frequency attached by ClinVar (database versions not stated): gnomAD 0.00001; gnomAD exomes 0.00001; TOPMed 0.00001.
gnomAD v4.1: 5 of 1,613,710 alleles (0.00031%); highest among the groups gnomAD compares: African/African-American, 0.0067%; no homozygotes.

Submissions (2):

Labcorp Genetics (formerly Invitae), Labcorp
Classification: Uncertain significance for Leber congenital amaurosis 2; Retinitis pigmentosa 20. Last evaluated: 2022-02-03. Review status: criteria provided, single submitter. Criteria: Invitae Variant Classification Sherloc (09022015). Collection method: clinical testing. Allele origin: germline.
Comment: This sequence change replaces glycine, which is neutral and non-polar, with arginine, which is basic and polar, at codon 496 of the RPE65 protein (p.Gly496Arg). This variant is present in population databases (no rsID available, gnomAD 0.01%). This variant has not been reported in the literature in individuals affected with RPE65-related conditions. ClinVar contains an entry for this variant (Variation ID: 1056969). Algorithms developed to predict the effect of missense changes on protein structure and function are either unavailable or do not agree on the potential impact of this missense change (SIFT: "Deleterious"; PolyPhen-2: "Possibly Damaging"; Align-GVGD: "Class C0"). In summary, the available evidence is currently insufficient to determine the role of this variant in disease. Therefore, it has been classified as a Variant of Uncertain Significance.

Natera, Inc.
Classification: Uncertain significance for Leber congenital amaurosis. Last evaluated: 2025-05-04. Review status: no assertion criteria provided. Collection method: clinical testing. Allele origin: germline. Not counted in ClinVar's aggregate classification.